The following is an entry in ClinVar:

ClinVar aggregate classification (germline): Uncertain significance. Review status: criteria provided, multiple submitters, no conflicts (2 of 4 stars). 3 submissions from 3 submitters: Uncertain significance (3). Last evaluated 2025-06-27.

Conditions:
Osteochondritis dissecans. Identifiers: Orphanet 251262, Orphanet 2764, MedGen C0029421, MONDO:0017178, HP:0010886.

Allele frequency attached by ClinVar (database versions not stated): ExAC 0.00006.
gnomAD v4.1: 95 of 1,613,700 alleles (0.0059%); highest among the groups gnomAD compares: Non-Finnish European, 0.0074%; 1 homozygote.

Submissions (3):

Labcorp Genetics (formerly Invitae), Labcorp
Classification: Uncertain significance. Last evaluated: 2025-06-27. Review status: criteria provided, single submitter. Criteria: Invitae Variant Classification Sherloc (09022015). Collection method: clinical testing. Allele origin: germline.
Comment: This sequence change replaces arginine, which is basic and polar, with tryptophan, which is neutral and slightly polar, at codon 2465 of the ACAN protein (p.Arg2465Trp). This variant is present in population databases (rs766292185, gnomAD 0.01%). This variant has not been reported in the literature in individuals affected with ACAN-related conditions. ClinVar contains an entry for this variant (Variation ID: 2169925). An algorithm developed to predict the effect of missense changes on protein structure and function (PolyPhen-2) suggests that this variant is likely to be disruptive. In summary, the available evidence is currently insufficient to determine the role of this variant in disease. Therefore, it has been classified as a Variant of Uncertain Significance.

Department of Pathology and Laboratory Medicine, Sinai Health System
Classification: Uncertain significance for osteochondritis dissecans. Last evaluated: 2021-11-09. Review status: criteria provided, single submitter. Criteria: ACMG Guidelines, 2015. Collection method: research. Allele origin: germline.

Blueprint Genetics
Classification: Uncertain significance. Last evaluated: 2019-09-09. Review status: criteria provided, single submitter. Criteria: ACMG Guidelines, 2015. Collection method: clinical testing. Allele origin: germline.

NM_001369268.1(ACAN):c.7507C>T (p.Arg2503Trp)

Gene: ACAN (aggrecan; plus strand). Cytogenetic location: 15q26.1.
Variant type: single nucleotide variant.
Coding change: c.7507C>T on transcript NM_001369268.1 (MANE Select); coding-DNA position 7507, C replaced by T.
Protein change: p.Arg2503Trp; replaces arginine 2503 with tryptophan.
Molecular consequence: missense variant. On other transcripts: intron variant (1).
Genome position (GRCh38, 1-based): chr15:88,873,901, C>T. VCF-style: chr15-88873901-C-T. GRCh37 (hg19) VCF-style: chr15-89417132-C-T.
Other names: c.7279C>T, p.Arg2427Trp (NM_001411096.1); c.7393C>T, p.Arg2465Trp (NM_001411097.1, NM_013227.4); c.7220-504C>T (NM_001135.4); short protein forms R2465W, R2503W, R2427W.
Identifiers: ClinVar variation 2169925 (VCV002169925.6), dbSNP rs766292185, ClinGen allele CA7720714.